The following is an entry in ClinVar:

NM_004813.4(PEX16):c.98G>C (p.Ser33Thr)

Gene: PEX16 (peroxisomal biogenesis factor 16; minus strand). Cytogenetic location: 11p11.2.
Variant type: single nucleotide variant.
Coding change: c.98G>C on transcript NM_004813.4 (MANE Select); coding-DNA position 98, G replaced by C.
Protein change: p.Ser33Thr; replaces serine 33 with threonine.
Molecular consequence: missense variant.
Genome position (GRCh38, 1-based): chr11:45,917,714, C>G on the plus strand (G>C on the coding strand, the complement: PEX16 is on the minus strand). VCF-style: chr11-45917714-C-G. GRCh37 (hg19) VCF-style: chr11-45939265-C-G.
Other names: c.98G>C, p.Ser33Thr (NM_057174.3); short protein forms S33T.
Identifiers: ClinVar variation 2163973 (VCV002163973.2), dbSNP rs1451639995, ClinGen allele CA380230555.

ClinVar aggregate classification (germline): Uncertain significance (1 of 4 stars; one submission).

Conditions:
Peroxisome biogenesis disorder. Identifiers: Orphanet 79189, MedGen C1832200, MONDO:0019234. Disease mechanism: loss of function.

Allele frequency attached by ClinVar (database versions not stated): gnomAD 0.00001; TOPMed 0.00001; gnomAD exomes 0.00002.
gnomAD v4.1: 23 of 1,559,594 alleles (0.0015%); highest among the groups gnomAD compares: Non-Finnish European, 0.002%; no homozygotes.

Submission:

Labcorp Genetics (formerly Invitae), Labcorp
Classification: Uncertain significance for Peroxisome biogenesis disorder. Last evaluated: 2022-08-19. Review status: criteria provided, single submitter. Criteria: Invitae Variant Classification Sherloc (09022015). Collection method: clinical testing. Allele origin: germline.
Comment: This variant has not been reported in the literature in individuals affected with PEX16-related conditions. In summary, the available evidence is currently insufficient to determine the role of this variant in disease. Therefore, it has been classified as a Variant of Uncertain Significance. Algorithms developed to predict the effect of missense changes on protein structure and function are either unavailable or do not agree on the potential impact of this missense change (SIFT: "Deleterious"; PolyPhen-2: "Possibly Damaging"; Align-GVGD: "Class C0"). This variant is present in population databases (no rsID available, gnomAD 0.002%). This sequence change replaces serine, which is neutral and polar, with threonine, which is neutral and polar, at codon 33 of the PEX16 protein (p.Ser33Thr).